The following is an entry in ClinVar:

ClinVar aggregate classification (germline): Likely benign. Review status: criteria provided, multiple submitters, no conflicts (2 of 4 stars). 3 submissions from 3 submitters: Likely benign (3). Last evaluated 2025-11-05.

Allele frequency attached by ClinVar (database versions not stated): gnomAD 0.00001; TOPMed 0.00001.
gnomAD v4.1: 21 of 1,613,036 alleles (0.0013%); highest among the groups gnomAD compares: South Asian, 0.011%; no homozygotes.

Submissions (3):

Labcorp Genetics (formerly Invitae), Labcorp
Classification: Likely benign. Last evaluated: 2025-11-05. Review status: criteria provided, single submitter. Criteria: Invitae Variant Classification Sherloc (09022015). Collection method: clinical testing. Allele origin: germline.

CeGaT Center for Human Genetics Tuebingen
Classification: Likely benign. Last evaluated: 2025-09-01. Review status: criteria provided, single submitter. Criteria: CeGaT Center For Human Genetics Tuebingen Variant Classification Criteria Version 2. Collection method: clinical testing. Allele origin: germline. Affected: yes. Observed: 2 variant alleles.
Comment: NSUN2: BP4, BP7

Blueprint Genetics
Classification: Likely benign. Last evaluated: 2024-09-13. Review status: criteria provided, single submitter. Criteria: ACMG Guidelines, 2015. Collection method: clinical testing. Allele origin: germline.

NM_017755.6(NSUN2):c.273C>T (p.Leu91=)

Gene: NSUN2 (NOP2/Sun RNA methyltransferase 2; minus strand). Cytogenetic location: 5p15.31.
Variant type: single nucleotide variant.
Coding change: c.273C>T on transcript NM_017755.6 (MANE Select); coding-DNA position 273, C replaced by T.
Protein change: p.Leu91=; no amino-acid change (leucine 91 retained).
Molecular consequence: synonymous variant. On other transcripts: non-coding transcript variant (1), intron variant (1).
Genome position (GRCh38, 1-based): chr5:6,631,959, G>A on the plus strand (C>T on the coding strand, the complement: NSUN2 is on the minus strand). VCF-style: chr5-6631959-G-A. GRCh37 (hg19) VCF-style: chr5-6632072-G-A.
Other names: c.254+640C>T (NM_001193455.2).
Identifiers: ClinVar variation 2655291 (VCV002655291.28), dbSNP rs1426983461, ClinGen allele CA443115500.
Genomic context (GRCh38, chr5:6,631,959, plus strand): 5'-TTTCTGACCGTCCACCTCCAGGTCCTCCAATTCCTTAAAATATTTGTTCTTTAAGCAATG[G>A]AGAATCTCTTTTGCGTGGCTATTGAAAAATAAGGAAGTTTCAAACTGATCTAAAAAACTA-3'
Protein context (NP_060225.4, residues 81-101): TGYKSHAKEI[Leu91=]HCLKNKYFKE